The following is an entry in ClinVar:

ClinVar aggregate classification (germline): Benign (0 of 4 stars; one submission).

Conditions:
PDZD2-related disorder. Also called: PDZD2-related condition.

Allele frequency attached by ClinVar (database versions not stated): 1000 Genomes Project 0.00220; gnomAD 0.00045; ExAC 0.00170; 1000 Genomes Project 30x 0.00187; TOPMed 0.00010.
gnomAD v4.1: 1,070 of 1,613,616 alleles (0.066%); highest among the groups gnomAD compares: South Asian, 1.1%; 24 homozygotes.

Submission:

PreventionGenetics, part of Exact Sciences
Classification: Benign for PDZD2-related condition. Last evaluated: 2019-04-08. Review status: no assertion criteria provided. Collection method: clinical testing. Allele origin: germline.
Comment: This variant is classified as benign based on ACMG/AMP sequence variant interpretation guidelines (Richards et al. 2015 PMID: 25741868, with internal and published modifications).

NM_178140.4(PDZD2):c.4086G>A (p.Leu1362=)

Gene: PDZD2 (PDZ domain containing 2; plus strand). Cytogenetic location: 5p13.3.
Variant type: single nucleotide variant.
Coding change: c.4086G>A on transcript NM_178140.4 (MANE Select); coding-DNA position 4086, G replaced by A.
Protein change: p.Leu1362=; no amino-acid change (leucine 1362 retained).
Molecular consequence: synonymous variant.
Genome position (GRCh38, 1-based): chr5:32,087,534, G>A. VCF-style: chr5-32087534-G-A. GRCh37 (hg19) VCF-style: chr5-32087640-G-A.
Identifiers: ClinVar variation 3040990 (VCV003040990.2), dbSNP rs549006397, ClinGen allele CA3219643.